The following is an entry in ClinVar:

NM_144991.3(TSPEAR):c.1594T>A (p.Phe532Ile)

Genes: TSPEAR-AS1 (TSPEAR antisense RNA 1; plus strand), TSPEAR (thrombospondin type laminin G domain and EAR repeats; minus strand), LOC126653398 (CDK7 strongly-dependent group 2 enhancer GRCh37_chr21:45928270-45929469; plus strand). Cytogenetic location: 21q22.3.
Variant type: single nucleotide variant.
Coding change: c.1594T>A on transcript NM_144991.3 (MANE Select); coding-DNA position 1594, T replaced by A.
Protein change: p.Phe532Ile; replaces phenylalanine 532 with isoleucine.
Molecular consequence: missense variant. On other transcripts: non-coding transcript variant (1).
Genome position (GRCh38, 1-based): chr21:44,509,359, A>T on the plus strand (T>A on the coding strand, the complement: TSPEAR is on the minus strand). VCF-style: chr21-44509359-A-T. GRCh37 (hg19) VCF-style: chr21-45929242-A-T.
Other names: c.1594T>A (NM_144991.2); c.1390T>A, p.Phe464Ile (NM_001272037.2); short protein forms F464I, F532I.
Identifiers: ClinVar variation 2186742 (VCV002186742.5), dbSNP rs1318824392, ClinGen allele CA410432218.

ClinVar aggregate classification (germline): Uncertain significance. Review status: criteria provided, multiple submitters, no conflicts (2 of 4 stars). 2 submissions from 2 submitters: Uncertain significance (2). Last evaluated 2025-08-27.

Conditions:
Inborn genetic diseases. Identifiers: MedGen C0950123, MeSH D030342.

Allele frequency attached by ClinVar (database versions not stated): gnomAD 0.00002.

Submissions (2):

Ambry Genetics
Classification: Uncertain significance for Inborn genetic diseases. Last evaluated: 2025-08-27. Review status: criteria provided, single submitter. Criteria: Ambry Variant Classification Scheme 2023. Collection method: clinical testing. Allele origin: germline.

Labcorp Genetics (formerly Invitae), Labcorp
Classification: Uncertain significance. Last evaluated: 2022-07-15. Review status: criteria provided, single submitter. Criteria: Invitae Variant Classification Sherloc (09022015). Collection method: clinical testing. Allele origin: germline.
Comment: This variant is not present in population databases (gnomAD no frequency). In summary, the available evidence is currently insufficient to determine the role of this variant in disease. Therefore, it has been classified as a Variant of Uncertain Significance. Algorithms developed to predict the effect of missense changes on protein structure and function are either unavailable or do not agree on the potential impact of this missense change (SIFT: "Deleterious"; PolyPhen-2: "Probably Damaging"; Align-GVGD: "Class C0"). This variant has not been reported in the literature in individuals affected with TSPEAR-related conditions. This sequence change replaces phenylalanine, which is neutral and non-polar, with isoleucine, which is neutral and non-polar, at codon 532 of the TSPEAR protein (p.Phe532Ile).